The following is an entry in ClinVar:

ClinVar aggregate classification (germline): Uncertain significance (1 of 4 stars; one submission).

Conditions:
Pulmonary hypertension, primary, 4. Identifiers: Orphanet 422, MedGen C3809198, MONDO:0014136, OMIM 615344.

Submission:

Labcorp Genetics (formerly Invitae), Labcorp
Classification: Uncertain significance for Pulmonary hypertension, primary, 4. Last evaluated: 2025-04-19. Review status: criteria provided, single submitter. Criteria: Invitae Variant Classification Sherloc (09022015). Collection method: clinical testing. Allele origin: germline.
Comment: This sequence change replaces glycine, which is neutral and non-polar, with alanine, which is neutral and non-polar, at codon 386 of the KCNK3 protein (p.Gly386Ala). This variant is present in population databases (no rsID available, gnomAD 0.03%). This variant has not been reported in the literature in individuals affected with KCNK3-related conditions. An algorithm developed to predict the effect of missense changes on protein structure and function (PolyPhen-2) suggests that this variant is likely to be tolerated. In summary, the available evidence is currently insufficient to determine the role of this variant in disease. Therefore, it has been classified as a Variant of Uncertain Significance.

NM_002246.3(KCNK3):c.1157G>C (p.Gly386Ala)

Gene: KCNK3 (potassium two pore domain channel subfamily K member 3; plus strand). Cytogenetic location: 2p23.3.
Variant type: single nucleotide variant.
Coding change: c.1157G>C on transcript NM_002246.3 (MANE Select); coding-DNA position 1157, G replaced by C.
Protein change: p.Gly386Ala; replaces glycine 386 with alanine.
Molecular consequence: missense variant.
Genome position (GRCh38, 1-based): chr2:26,728,540, G>C. VCF-style: chr2-26728540-G-C. GRCh37 (hg19) VCF-style: chr2-26951408-G-C.
Other names: short protein forms G386A.
Identifiers: ClinVar variation 4699127 (VCV004699127.1).
Genomic context (GRCh38, chr2:26,728,540, plus strand): 5'-CGCCACGCTCCGCCATCAGCTCGGTGTCCACGGGTCTGCACAGCCTGTCCACCTTCCGCG[G>C]CCTCATGAAGCGCAGGAGCTCCGTGTGACTGCCCCGAGGGGCCTGGAGCACCTGGGGGCG-3'
Protein context (NP_002237.1, residues 376-394): TGLHSLSTFR[Gly386Ala]LMKRRSSV